The following is an entry in ClinVar:

ClinVar aggregate classification (germline): Uncertain significance (1 of 4 stars; one submission).

Conditions:
Neuronal ceroid lipofuscinosis. Also called: Neuronal Ceroid Lipofuscinoses. Identifiers: Orphanet 216, Orphanet 79263, MedGen C0027877, MONDO:0016295. Disease mechanism: loss of function.

Allele frequency attached by ClinVar (database versions not stated): gnomAD exomes below 0.00001.
gnomAD v4.1: 3 of 1,612,930 alleles (0.00019%); highest among the groups gnomAD compares: Admixed American, 0.005%; no homozygotes.

Submission:

Labcorp Genetics (formerly Invitae), Labcorp
Classification: Uncertain significance for Neuronal ceroid lipofuscinosis. Last evaluated: 2022-05-12. Review status: criteria provided, single submitter. Criteria: Invitae Variant Classification Sherloc (09022015). Collection method: clinical testing. Allele origin: germline.
Comment: This sequence change replaces methionine, which is neutral and non-polar, with valine, which is neutral and non-polar, at codon 371 of the CTSD protein (p.Met371Val). This variant is present in population databases (no rsID available, gnomAD 0.003%). This variant has not been reported in the literature in individuals affected with CTSD-related conditions. Algorithms developed to predict the effect of missense changes on protein structure and function (SIFT, PolyPhen-2, Align-GVGD) all suggest that this variant is likely to be tolerated. In summary, the available evidence is currently insufficient to determine the role of this variant in disease. Therefore, it has been classified as a Variant of Uncertain Significance.

NM_001909.5(CTSD):c.1111A>G (p.Met371Val)

Gene: CTSD (cathepsin D; minus strand). Cytogenetic location: 11p15.5.
Variant type: single nucleotide variant.
Coding change: c.1111A>G on transcript NM_001909.5 (MANE Select); coding-DNA position 1111, A replaced by G.
Protein change: p.Met371Val; replaces methionine 371 with valine.
Molecular consequence: missense variant.
Genome position (GRCh38, 1-based): chr11:1,753,631, T>C on the plus strand (A>G on the coding strand, the complement: CTSD is on the minus strand). VCF-style: chr11-1753631-T-C. GRCh37 (hg19) VCF-style: chr11-1774861-T-C.
Other names: short protein forms M371V.
Identifiers: ClinVar variation 2164644 (VCV002164644.1), dbSNP rs1452124479, ClinGen allele CA379092673.